The following is an entry in ClinVar:

NM_017637.6(BNC2):c.2202C>T (p.Gly734=)

Genes: BNC2 (basonuclin zinc finger protein 2; minus strand), LOC126860585 (MED14-independent group 3 enhancer GRCh37_chr9:16435259-16436458; plus strand). Cytogenetic location: 9p22.3.
Variant type: single nucleotide variant.
Coding change: c.2202C>T on transcript NM_017637.6 (MANE Select); coding-DNA position 2202, C replaced by T.
Protein change: p.Gly734=; no amino-acid change (glycine 734 retained).
Molecular consequence: synonymous variant.
Genome position (GRCh38, 1-based): chr9:16,435,992, G>A on the plus strand (C>T on the coding strand, the complement: BNC2 is on the minus strand). VCF-style: chr9-16435992-G-A. GRCh37 (hg19) VCF-style: chr9-16435990-G-A.
Other names: c.2076C>T, p.Gly692= (NM_001317939.2); c.1917C>T, p.Gly639= (NM_001317940.2).
Identifiers: ClinVar variation 120235 (VCV000120235.1), dbSNP rs376030025, ClinGen allele CA204328.
Genomic context (GRCh38, chr9:16,435,992, plus strand): 5'-CATCAGGACTTTTTCACTCACTTCGCTGTGAATGTGCTCATCCCCTTCCATGGATTCCTC[G>A]CCCAGTTTGGGCTCCGAAGACTCAGACTCGTTCTCATAGTCCCGCTCAGGTTCTTGGTCT-3'
Protein context (NP_060107.3, residues 724-744): NESESSEPKL[Gly734=]EESMEGDEHI

ClinVar aggregate classification (germline): not provided (0 of 4 stars; one submission).

Conditions:
Hypotension. Also called: Hypotensive disorder; low blood pressure. Identifiers: MedGen C0020649, MONDO:0005468, HP:0002615, MeSH D007022.

Allele frequency attached by ClinVar (database versions not stated): gnomAD exomes 0.00005; ESP Exome Variant Server 0.00008; TOPMed 0.00003; gnomAD 0.00005 and 0.00006; ExAC 0.00007.
gnomAD v4.1: 58 of 1,613,902 alleles (0.0036%); highest among the groups gnomAD compares: Middle Eastern, 0.066%; no homozygotes.

Submission:

Centre for molecular medicine, Karolinska Institutet
No classification provided. Condition: Hypotension. Review status: no classification provided. Collection method: not provided. Allele origin: not provided.
Comment: hold until published